The following is an entry in ClinVar:

ClinVar aggregate classification (germline): Likely benign (1 of 4 stars; one submission).

Allele frequency attached by ClinVar (database versions not stated): 1000 Genomes Project 30x 0.00562; 1000 Genomes Project 0.00599; TOPMed 0.00954; gnomAD 0.01008 and 0.01031.
gnomAD v4.1: 1,529 of 152,372 alleles (1%); highest among the groups gnomAD compares: Non-Finnish European, 1.7%; 17 homozygotes.

Submission:

GeneDx
Classification: Likely benign. Last evaluated: 2018-06-14. Review status: criteria provided, single submitter. Criteria: GeneDx Variant Classification (06012015). Collection method: clinical testing. Allele origin: germline. Affected: yes.
Comment: This variant is considered likely benign or benign based on one or more of the following criteria: it is a conservative change, it occurs at a poorly conserved position in the protein, it is predicted to be benign by multiple in silico algorithms, and/or has population frequency not consistent with disease.

NM_000393.5(COL5A2):c.3148-216A>G

Gene: COL5A2 (collagen type V alpha 2 chain; minus strand). Cytogenetic location: 2q32.2.
Variant type: single nucleotide variant.
Coding change: c.3148-216A>G on transcript NM_000393.5 (MANE Select); 216 bases into the intron before coding-DNA position 3148, A replaced by G.
Molecular consequence: intron variant.
Genome position (GRCh38, 1-based): chr2:189,048,478, T>C on the plus strand (A>G on the coding strand, the complement: COL5A2 is on the minus strand). VCF-style: chr2-189048478-T-C. GRCh37 (hg19) VCF-style: chr2-189913204-T-C.
Identifiers: ClinVar variation 675855 (VCV000675855.1), dbSNP rs115536167, ClinGen allele CA62593479.
Genomic context (GRCh38, chr2:189,048,478, plus strand): 5'-TTTTTCATTATTTTGAATTACTGTAAAATTAACATATTCTTACTTAATCCATATTCTTCA[T>C]TTATATTTCTTATTTTGAAAAACAAAAAACCCACAAATATTTTGAAATAGATAACAATTA-3'